The following is an entry in ClinVar:

ClinVar aggregate classification (germline): Uncertain significance (1 of 4 stars; one submission).

Allele frequency attached by ClinVar (database versions not stated): gnomAD exomes below 0.00001.
gnomAD v4.1: 1 of 1,614,142 alleles (0.000062%); highest among the groups gnomAD compares: Non-Finnish European, 0.000085%; no homozygotes.

Submission:

Ambry Genetics
Classification: Uncertain significance. Last evaluated: 2023-11-16. Review status: criteria provided, single submitter. Criteria: Ambry Variant Classification Scheme 2023. Collection method: clinical testing. Allele origin: germline.
Comment: The p.E375K variant (also known as c.1123G>A), located in coding exon 3 of the TERF2IP gene, results from a G to A substitution at nucleotide position 1123. The glutamic acid at codon 375 is replaced by lysine, an amino acid with similar properties. This amino acid position is conserved. In addition, this alteration is predicted to be tolerated by in silico analysis. Since supporting evidence is limited at this time, the clinical significance of this alteration remains unclear.

NM_018975.4(TERF2IP):c.1123G>A (p.Glu375Lys)

Gene: TERF2IP (TERF2 interacting protein; plus strand). Cytogenetic location: 16q23.1.
Variant type: single nucleotide variant.
Coding change: c.1123G>A on transcript NM_018975.4 (MANE Select); coding-DNA position 1123, G replaced by A.
Protein change: p.Glu375Lys; replaces glutamic acid 375 with lysine.
Molecular consequence: missense variant. On other transcripts: non-coding transcript variant (1).
Genome position (GRCh38, 1-based): chr16:75,656,534, G>A. VCF-style: chr16-75656534-G-A. GRCh37 (hg19) VCF-style: chr16-75690432-G-A.
Other names: short protein forms E375K.
Identifiers: ClinVar variation 3227155 (VCV003227155.1), dbSNP rs2507089931, ClinGen allele CA396820313.